The following is an entry in ClinVar:

NM_133497.4(KCNV2):c.1534C>T (p.Arg512Cys)

Gene: KCNV2 (potassium voltage-gated channel modifier subfamily V member 2; plus strand). Cytogenetic location: 9p24.2.
Variant type: single nucleotide variant.
Coding change: c.1534C>T on transcript NM_133497.4 (MANE Select); coding-DNA position 1534, C replaced by T.
Protein change: p.Arg512Cys; replaces arginine 512 with cysteine.
Molecular consequence: missense variant.
Genome position (GRCh38, 1-based): chr9:2,729,623, C>T. VCF-style: chr9-2729623-C-T. GRCh37 (hg19) VCF-style: chr9-2729623-C-T.
Other names: c.1534C>T (NM_133497.3); short protein forms R512C.
Identifiers: ClinVar variation 1036308 (VCV001036308.13), dbSNP rs537588654, ClinGen allele CA4965937.

ClinVar aggregate classification (germline): Conflicting classifications of pathogenicity. Review status: criteria provided, conflicting classifications (1 of 4 stars). 4 submissions from 4 submitters: Uncertain significance (3); Likely benign (1). Last evaluated 2026-08-10.

Conditions:
KCNV2-related disorder. Also called: KCNV2-related condition.
Inborn genetic diseases. Identifiers: MedGen C0950123, MeSH D030342.

Allele frequency attached by ClinVar (database versions not stated): gnomAD 0.00003 and 0.00005; TOPMed 0.00005; ExAC 0.00011; 1000 Genomes Project 0.00020; 1000 Genomes Project 30x 0.00031.
gnomAD v4.1: 51 of 1,613,978 alleles (0.0032%); highest among the groups gnomAD compares: East Asian, 0.022%; no homozygotes.

Submissions (4):

PreventionGenetics, part of Exact Sciences
Classification: Uncertain significance for KCNV2-related condition. Last evaluated: 2026-08-10. Review status: criteria provided, single submitter. Criteria: ACMG Guidelines, 2015. Collection method: clinical testing. Allele origin: germline.
Comment: The KCNV2 c.1534C>T variant is predicted to result in the amino acid substitution p.Arg512Cys. To our knowledge, this variant has not been reported in the literature. This variant is reported in 0.065% of alleles in individuals of East Asian descent in gnomAD, which may be too frequent to be a primary cause of disease. Although we suspect that this variant may be benign, at this time, the clinical significance of this variant is uncertain due to the absence of conclusive functional and genetic evidence.

Labcorp Genetics (formerly Invitae), Labcorp
Classification: Likely benign. Last evaluated: 2025-03-26. Review status: criteria provided, single submitter. Criteria: Invitae Variant Classification Sherloc (09022015). Collection method: clinical testing. Allele origin: germline.

Ambry Genetics
Classification: Uncertain significance for Inborn genetic diseases. Last evaluated: 2024-04-12. Review status: criteria provided, single submitter. Criteria: Ambry Variant Classification Scheme 2023. Collection method: clinical testing. Allele origin: germline.

Blueprint Genetics
Classification: Uncertain significance. Last evaluated: 2023-11-07. Review status: criteria provided, single submitter. Criteria: ACMG Guidelines, 2015. Collection method: clinical testing. Allele origin: germline.